The following is an entry in ClinVar:

ClinVar aggregate classification (germline): Benign (1 of 4 stars; one submission).

Allele frequency attached by ClinVar (database versions not stated): 1000 Genomes Project 0.00080; 1000 Genomes Project 30x 0.00109; gnomAD 0.00116 and 0.00124; TOPMed 0.00125; gnomAD exomes 0.00197.
gnomAD v4.1: 676 of 398,592 alleles (0.17%); highest among the groups gnomAD compares: Middle Eastern, 0.57%; 3 homozygotes.

Submission:

CeGaT Center for Human Genetics Tuebingen
Classification: Benign. Last evaluated: 2026-08-01. Review status: criteria provided, single submitter. Criteria: CeGaT Center For Human Genetics Tuebingen Variant Classification Criteria Version 2. Collection method: clinical testing. Allele origin: germline. Affected: yes. Observed: 40 variant alleles.
Comment: KCNQ1OT1: BS1, BS2

NM_000218.3(KCNQ1):c.1514+8126G>A

Genes: KCNQ1 (potassium voltage-gated channel subfamily Q member 1; plus strand), KCNQ1OT1 (KCNQ1 opposite strand/antisense transcript 1; minus strand). Cytogenetic location: 11p15.5.
Variant type: single nucleotide variant.
Coding change: c.1514+8126G>A on transcript NM_000218.3 (MANE Select); 8126 bases into the intron after coding-DNA position 1514, G replaced by A.
Molecular consequence: intron variant.
Genome position (GRCh38, 1-based): chr11:2,670,207, G>A. VCF-style: chr11-2670207-G-A. GRCh37 (hg19) VCF-style: chr11-2691437-G-A.
Other names: c.1244+8126G>A (NM_001406837.1); c.1418+8126G>A (NM_001406836.1); c.974+8126G>A (NM_001406838.1); c.1133+8126G>A (NM_181798.2).
Identifiers: ClinVar variation 1701163 (VCV001701163.31), dbSNP rs141879881, ClinGen allele CA216177390.